The following is an entry in ClinVar:

ClinVar aggregate classification (germline): Uncertain significance (1 of 4 stars; one submission).

Allele frequency attached by ClinVar (database versions not stated): gnomAD exomes below 0.00001; TOPMed 0.00001; ESP Exome Variant Server 0.00008.

Submission:

Labcorp Genetics (formerly Invitae), Labcorp
Classification: Uncertain significance. Last evaluated: 2021-02-21. Review status: criteria provided, single submitter. Criteria: Invitae Variant Classification Sherloc (09022015). Collection method: clinical testing. Allele origin: germline.
Comment: This variant has not been reported in the literature in individuals with KMT2B-related conditions. This variant is not present in population databases (ExAC no frequency). This sequence change replaces alanine with threonine at codon 1994 of the KMT2B protein (p.Ala1994Thr). The alanine residue is moderately conserved and there is a small physicochemical difference between alanine and threonine. Algorithms developed to predict the effect of missense changes on protein structure and function are either unavailable or do not agree on the potential impact of this missense change (SIFT: "Tolerated"; PolyPhen-2: "Not Available"; Align-GVGD: "Class C0"). In summary, the available evidence is currently insufficient to determine the role of this variant in disease. Therefore, it has been classified as a Variant of Uncertain Significance.

NM_014727.3(KMT2B):c.5980G>A (p.Ala1994Thr)

Gene: KMT2B (lysine methyltransferase 2B; plus strand). Cytogenetic location: 19q13.12.
Variant type: single nucleotide variant.
Coding change: c.5980G>A on transcript NM_014727.3 (MANE Select); coding-DNA position 5980, G replaced by A.
Protein change: p.Ala1994Thr; replaces alanine 1994 with threonine.
Molecular consequence: missense variant.
Genome position (GRCh38, 1-based): chr19:35,732,529, G>A. VCF-style: chr19-35732529-G-A. GRCh37 (hg19) VCF-style: chr19-36223430-G-A.
Other names: short protein forms A1994T.
Identifiers: ClinVar variation 1374783 (VCV001374783.8), dbSNP rs376111760, ClinGen allele CA307796005.